The following is an entry in ClinVar:

ClinVar aggregate classification (germline): Uncertain significance (1 of 4 stars; one submission).

Allele frequency attached by ClinVar (database versions not stated): gnomAD exomes 0.00002; gnomAD 0.00005; TOPMed 0.00005; ExAC 0.00007; 1000 Genomes Project 30x 0.00016; 1000 Genomes Project 0.00020.
gnomAD v4.1: 36 of 1,606,266 alleles (0.0022%); highest among the groups gnomAD compares: African/African-American, 0.011%; no homozygotes.

Submission:

Labcorp Genetics (formerly Invitae), Labcorp
Classification: Uncertain significance. Last evaluated: 2023-12-06. Review status: criteria provided, single submitter. Criteria: Invitae Variant Classification Sherloc (09022015). Collection method: clinical testing. Allele origin: germline.
Comment: This sequence change replaces arginine, which is basic and polar, with histidine, which is basic and polar, at codon 704 of the C7 protein (p.Arg704His). The frequency data for this variant in the population databases is considered unreliable, as metrics indicate poor data quality at this position in the gnomAD database. This variant has not been reported in the literature in individuals affected with C7-related conditions. ClinVar contains an entry for this variant (Variation ID: 2414160). Advanced modeling of protein sequence and biophysical properties (such as structural, functional, and spatial information, amino acid conservation, physicochemical variation, residue mobility, and thermodynamic stability) performed at Invitae indicates that this missense variant is not expected to disrupt C7 protein function with a negative predictive value of 80%. In summary, the available evidence is currently insufficient to determine the role of this variant in disease. Therefore, it has been classified as a Variant of Uncertain Significance.

NM_000587.4(C7):c.2111G>A (p.Arg704His)

Gene: C7 (complement C7; plus strand). Cytogenetic location: 5p13.1.
Variant type: single nucleotide variant.
Coding change: c.2111G>A on transcript NM_000587.4 (MANE Select); coding-DNA position 2111, G replaced by A.
Protein change: p.Arg704His; replaces arginine 704 with histidine.
Molecular consequence: missense variant.
Genome position (GRCh38, 1-based): chr5:40,976,786, G>A. VCF-style: chr5-40976786-G-A. GRCh37 (hg19) VCF-style: chr5-40976888-G-A.
Other names: short protein forms R704H.
Identifiers: ClinVar variation 2414160 (VCV002414160.4), dbSNP rs568728635, ClinGen allele CA3250202.